The following is an entry in ClinVar:

ClinVar aggregate classification (germline): Uncertain significance (1 of 4 stars; one submission).

Conditions:
Hereditary cancer-predisposing syndrome. Also called: Neoplastic Syndromes, Hereditary; Tumor predisposition; Hereditary neoplastic syndrome; Hereditary Cancer Syndrome. Identifiers: Orphanet 140162, MedGen C0027672, MeSH D009386, MONDO:0015356.

gnomAD v4.1: 1 of 1,613,948 alleles (0.000062%); highest among the groups gnomAD compares: Non-Finnish European, 0.000085%; no homozygotes.

Submission:

Ambry Genetics
Classification: Uncertain significance for Hereditary cancer-predisposing syndrome. Last evaluated: 2026-07-06. Review status: criteria provided, single submitter. Criteria: Ambry Variant Classification Scheme 2023. Collection method: clinical testing. Allele origin: germline.
Comment: The p.S147R variant (also known as c.441T>A) is located in coding exon 4 of the PRKAR1A gene. The serine at codon 147 is replaced by arginine, an amino acid with dissimilar properties. This change occurs in the first base pair of coding exon 4. This amino acid position is conserved. In addition, this alteration is predicted to be deleterious by in silico analysis. Based on the available evidence, the clinical significance of this variant remains unclear.

NM_002734.5(PRKAR1A):c.441T>A (p.Ser147Arg)

Gene: PRKAR1A (protein kinase cAMP-dependent type I regulatory subunit alpha; plus strand). Cytogenetic location: 17q24.2.
Variant type: single nucleotide variant.
Coding change: c.441T>A on transcript NM_002734.5 (MANE Select); coding-DNA position 441, T replaced by A.
Protein change: p.Ser147Arg; replaces serine 147 with arginine.
Molecular consequence: missense variant.
Genome position (GRCh38, 1-based): chr17:68,524,016, T>A. VCF-style: chr17-68524016-T-A. GRCh37 (hg19) VCF-style: chr17-66520157-T-A.
Other names: c.441T>A, p.Ser147Arg (NM_001278433.2, NM_001369389.1, NM_001369390.1 and 4 more transcripts); short protein forms S147R.
Identifiers: ClinVar variation 5027288 (VCV005027288.1).